The following is an entry in ClinVar:

ClinVar aggregate classification (germline): Benign/Likely benign. Review status: criteria provided, multiple submitters, no conflicts (2 of 4 stars). 5 submissions from 5 submitters: Benign (2); Likely benign (2). 1 of the submissions does not count toward it. Last evaluated 2025-10-29.

Conditions:
GFAP-related disorder. Also called: GFAP-related disorders; GFAP-related condition.

Allele frequency attached by ClinVar (database versions not stated): ExAC 0.00055; 1000 Genomes Project 30x 0.00094; 1000 Genomes Project 0.00100; ESP Exome Variant Server 0.00154; TOPMed 0.00218.
gnomAD v4.1: 508 of 1,608,018 alleles (0.032%); highest among the groups gnomAD compares: African/African-American, 0.57%; 1 homozygote.

Submissions (5):

Labcorp Genetics (formerly Invitae), Labcorp
Classification: Benign. Last evaluated: 2025-10-29. Review status: criteria provided, single submitter. Criteria: Invitae Variant Classification Sherloc (09022015). Collection method: clinical testing. Allele origin: germline.

Mayo Clinic Laboratories, Mayo Clinic
Classification: Benign. Last evaluated: 2025-03-24. Review status: criteria provided, single submitter. Criteria: ACMG Guidelines, 2015. Collection method: clinical testing. Allele origin: germline. Observed: 1 variant allele.
Comment: BS1, BS2, BP4, BP7

Blueprint Genetics
Classification: Likely benign. Last evaluated: 2024-08-20. Review status: criteria provided, single submitter. Criteria: ACMG Guidelines, 2015. Collection method: clinical testing. Allele origin: germline.

CeGaT Center for Human Genetics Tuebingen
Classification: Likely benign. Last evaluated: 2023-01-01. Review status: criteria provided, single submitter. Criteria: CeGaT Center For Human Genetics Tuebingen Variant Classification Criteria Version 2. Collection method: clinical testing. Allele origin: germline. Affected: yes. Observed: 1 variant allele.
Comment: GFAP: BP4, BP7

PreventionGenetics, part of Exact Sciences
Classification: Benign for GFAP-related condition. Last evaluated: 2019-11-06. Review status: no assertion criteria provided. Collection method: clinical testing. Allele origin: germline. Not counted in ClinVar's aggregate classification.
Comment: This variant is classified as benign based on ACMG/AMP sequence variant interpretation guidelines (Richards et al. 2015 PMID: 25741868, with internal and published modifications).

NM_002055.5(GFAP):c.1236C>A (p.Thr412=)

Gene: GFAP (glial fibrillary acidic protein; minus strand). Cytogenetic location: 17q21.31.
Variant type: single nucleotide variant.
Coding change: c.1236C>A on transcript NM_002055.5 (MANE Select); coding-DNA position 1236, C replaced by A.
Protein change: p.Thr412=; no amino-acid change (threonine 412 retained).
Molecular consequence: synonymous variant.
Genome position (GRCh38, 1-based): chr17:44,908,085, G>T on the plus strand (C>A on the coding strand, the complement: GFAP is on the minus strand). VCF-style: chr17-44908085-G-T. GRCh37 (hg19) VCF-style: chr17-42985453-G-T.
Other names: p.Thr412=; c.1356C>A, p.Thr452= (NM_001363846.2).
Identifiers: ClinVar variation 323609 (VCV000323609.36), dbSNP rs146298944, ClinGen allele CA8608620.